The following is an entry in ClinVar:

NM_004656.4(BAP1):c.451C>T (p.His151Tyr)

Gene: BAP1 (BRCA1 associated deubiquitinase 1; minus strand). Cytogenetic location: 3p21.1.
Variant type: single nucleotide variant.
Coding change: c.451C>T on transcript NM_004656.4 (MANE Select); coding-DNA position 451, C replaced by T.
Protein change: p.His151Tyr; replaces histidine 151 with tyrosine.
Molecular consequence: missense variant.
Genome position (GRCh38, 1-based): chr3:52,407,303, G>A on the plus strand (C>T on the coding strand, the complement: BAP1 is on the minus strand). VCF-style: chr3-52407303-G-A. GRCh37 (hg19) VCF-style: chr3-52441319-G-A.
Other names: short protein forms H151Y.
Identifiers: ClinVar variation 844557 (VCV000844557.12), dbSNP rs1705197376, ClinGen allele CA353110385.

ClinVar aggregate classification (germline): Uncertain significance. Review status: criteria provided, multiple submitters, no conflicts (2 of 4 stars). 2 submissions from 2 submitters: Uncertain significance (2). Last evaluated 2022-08-30.

Conditions:
Hereditary cancer-predisposing syndrome. Also called: Tumor predisposition; Hereditary neoplastic syndrome; Neoplastic Syndromes, Hereditary; Hereditary Cancer Syndrome. Identifiers: Orphanet 140162, MedGen C0027672, MeSH D009386, MONDO:0015356.
BAP1-related tumor predisposition syndrome (TPDS1). Also called: Tumor susceptibility linked to germline BAP1 mutations; BAP1 tumor predisposition syndrome; TUMOR PREDISPOSITION SYNDROME 1; COMMON Syndrome. Identifiers: Orphanet 289539, MedGen C3280492, MONDO:0013692, OMIM 614327.

Submissions (2):

Ambry Genetics
Classification: Uncertain significance for Hereditary cancer-predisposing syndrome. Last evaluated: 2022-08-30. Review status: criteria provided, single submitter. Criteria: Ambry Variant Classification Scheme 2023. Collection method: clinical testing. Allele origin: germline.
Comment: The p.H151Y variant (also known as c.451C>T), located in coding exon 7 of the BAP1 gene, results from a C to T substitution at nucleotide position 451. The histidine at codon 151 is replaced by tyrosine, an amino acid with similar properties. This amino acid position is highly conserved in available vertebrate species. In addition, the in silico prediction for this alteration is inconclusive. Since supporting evidence is limited at this time, the clinical significance of this alteration remains unclear.

Labcorp Genetics (formerly Invitae), Labcorp
Classification: Uncertain significance for BAP1-related tumor predisposition syndrome. Last evaluated: 2019-12-27. Review status: criteria provided, single submitter. Criteria: Invitae Variant Classification Sherloc (09022015). Collection method: clinical testing. Allele origin: germline.
Comment: This sequence change replaces histidine with tyrosine at codon 151 of the BAP1 protein (p.His151Tyr). The histidine residue is highly conserved and there is a moderate physicochemical difference between histidine and tyrosine. This variant is not present in population databases (ExAC no frequency). This variant has not been reported in the literature in individuals with BAP1-related conditions. Algorithms developed to predict the effect of missense changes on protein structure and function are either unavailable or do not agree on the potential impact of this missense change (SIFT: "Deleterious"; PolyPhen-2: "Probably Damaging"; Align-GVGD: "Class C15"). In summary, the available evidence is currently insufficient to determine the role of this variant in disease. Therefore, it has been classified as a Variant of Uncertain Significance.